The following is an entry in ClinVar:

NM_000236.3(LIPC):c.1219G>A (p.Asp407Asn)

Gene: LIPC (lipase C, hepatic type; plus strand). Cytogenetic location: 15q21.3.
Variant type: single nucleotide variant.
Coding change: c.1219G>A on transcript NM_000236.3 (MANE Select); coding-DNA position 1219, G replaced by A.
Protein change: p.Asp407Asn; replaces aspartic acid 407 with asparagine.
Molecular consequence: missense variant.
Genome position (GRCh38, 1-based): chr15:58,563,554, G>A. VCF-style: chr15-58563554-G-A. GRCh37 (hg19) VCF-style: chr15-58855753-G-A.
Other names: short protein forms D407N.
Identifiers: ClinVar variation 3627241 (VCV003627241.2).

ClinVar aggregate classification (germline): Uncertain significance (1 of 4 stars; one submission).

gnomAD v4.1: 34 of 1,614,102 alleles (0.0021%); highest among the groups gnomAD compares: Non-Finnish European, 0.0029%; no homozygotes.

Submission:

Labcorp Genetics (formerly Invitae), Labcorp
Classification: Uncertain significance. Last evaluated: 2024-06-26. Review status: criteria provided, single submitter. Criteria: Invitae Variant Classification Sherloc (09022015). Collection method: clinical testing. Allele origin: germline.
Comment: This sequence change replaces aspartic acid, which is acidic and polar, with asparagine, which is neutral and polar, at codon 407 of the LIPC protein (p.Asp407Asn). This variant is present in population databases (rs748608339, gnomAD 0.004%). This missense change has been observed in individual(s) with hypertriglyceridemia (PMID: 36325899). Advanced modeling of protein sequence and biophysical properties (such as structural, functional, and spatial information, amino acid conservation, physicochemical variation, residue mobility, and thermodynamic stability) performed at Invitae indicates that this missense variant is not expected to disrupt LIPC protein function with a negative predictive value of 80%. In summary, the available evidence is currently insufficient to determine the role of this variant in disease. Therefore, it has been classified as a Variant of Uncertain Significance.

Literature cited by the submitters: PubMed 36325899.